The following is an entry in ClinVar:

ClinVar aggregate classification (germline): Uncertain significance. Review status: criteria provided, multiple submitters, no conflicts (2 of 4 stars). 2 submissions from 2 submitters: Uncertain significance (2). Last evaluated 2022-07-05.

Conditions:
Severe combined immunodeficiency due to DNA-PKcs deficiency. Also called: IMMUNODEFICIENCY 26 WITH NEUROLOGIC ABNORMALITIES; Immunodeficiency 26 with or without neurologic abnormalities. Identifiers: Orphanet 317425, MedGen C4014833, MONDO:0014423, OMIM 615966.

Allele frequency attached by ClinVar (database versions not stated): TOPMed below 0.00001; ExAC 0.00010.
gnomAD v4.1: 12 of 1,506,976 alleles (0.0008%); highest among the groups gnomAD compares: Admixed American, 0.0061%; no homozygotes.

Submissions (2):

Labcorp Genetics (formerly Invitae), Labcorp
Classification: Uncertain significance for Severe combined immunodeficiency due to DNA-PKcs deficiency. Last evaluated: 2022-07-05. Review status: criteria provided, single submitter. Criteria: Invitae Variant Classification Sherloc (09022015). Collection method: clinical testing. Allele origin: germline.
Comment: In summary, the available evidence is currently insufficient to determine the role of this variant in disease. Therefore, it has been classified as a Variant of Uncertain Significance. ClinVar contains an entry for this variant (Variation ID: 571987). This variant has not been reported in the literature in individuals affected with PRKDC-related conditions. The frequency data for this variant in the population databases is considered unreliable, as metrics indicate poor data quality at this position in the gnomAD database. This sequence change replaces alanine, which is neutral and non-polar, with valine, which is neutral and non-polar, at codon 6 of the PRKDC protein (p.Ala6Val).

Ambry Genetics
Classification: Uncertain significance. Last evaluated: 2021-08-29. Review status: criteria provided, single submitter. Criteria: Ambry Variant Classification Scheme 2023. Collection method: clinical testing. Allele origin: germline.
Comment: The p.A6V variant (also known as c.17C>T), located in coding exon 1 of the PRKDC gene, results from a C to T substitution at nucleotide position 17. The alanine at codon 6 is replaced by valine, an amino acid with similar properties. This amino acid position is conserved. In addition, this alteration is predicted to be tolerated by in silico analysis. Since supporting evidence is limited at this time, the clinical significance of this alteration remains unclear.

NM_006904.7(PRKDC):c.17C>T (p.Ala6Val)

Genes: PRKDC (protein kinase, DNA-activated, catalytic subunit; minus strand), LOC129929030 (ATAC-STARR-seq lymphoblastoid silent region 19177; plus strand). Cytogenetic location: 8q11.21.
Variant type: single nucleotide variant.
Coding change: c.17C>T on transcript NM_006904.7 (MANE Select); coding-DNA position 17, C replaced by T.
Protein change: p.Ala6Val; replaces alanine 6 with valine.
Molecular consequence: missense variant.
Genome position (GRCh38, 1-based): chr8:47,960,110, G>A on the plus strand (C>T on the coding strand, the complement: PRKDC is on the minus strand). VCF-style: chr8-47960110-G-A. GRCh37 (hg19) VCF-style: chr8-48872670-G-A.
Other names: c.17C>T, p.Ala6Val (NM_001081640.2); short protein forms A6V.
Identifiers: ClinVar variation 571987 (VCV000571987.9), dbSNP rs754453280, ClinGen allele CA4742120.